The following is an entry in ClinVar:

ClinVar aggregate classification (germline): Uncertain significance (1 of 4 stars; one submission).

Conditions:
Anterior segment dysgenesis. Also called: Ocular anterior segment dysgenesis. Identifiers: Orphanet 88632, MedGen C1862839, MONDO:0019503, HP:0007700.
Congenital primary aphakia. Also called: Anterior segment dysgenesis 2, multiple subtypes; ANTERIOR SEGMENT DYSGENESIS 2. Identifiers: Orphanet 83461, MedGen C1853230, MONDO:0012456, OMIM 610256.

gnomAD v4.1: 1 of 1,337,358 alleles (0.000075%); highest among the groups gnomAD compares: Non-Finnish European, 0.000096%; no homozygotes.

Submission:

Labcorp Genetics (formerly Invitae), Labcorp
Classification: Uncertain significance for Anterior segment dysgenesis; Congenital primary aphakia. Last evaluated: 2025-11-11. Review status: criteria provided, single submitter. Criteria: Invitae Variant Classification Sherloc (09022015). Collection method: clinical testing. Allele origin: germline.
Comment: This sequence change affects codon 214 of the FOXE3 mRNA. It is a 'silent' change, meaning that it does not change the encoded amino acid sequence of the FOXE3 protein. This variant is not present in population databases (gnomAD no frequency). This variant has not been reported in the literature in individuals affected with FOXE3-related conditions. In summary, the available evidence is currently insufficient to determine the role of this variant in disease. Therefore, it has been classified as a Variant of Uncertain Significance.

NM_012186.3(FOXE3):c.642G>A (p.Ala214=)

Genes: FOXE3 (forkhead box E3; plus strand), LINC01389 (long independently transcribed non-coding RNA 1389; minus strand). Cytogenetic location: 1p33.
Variant type: single nucleotide variant.
Coding change: c.642G>A on transcript NM_012186.3 (MANE Select); coding-DNA position 642, G replaced by A.
Protein change: p.Ala214=; no amino-acid change (alanine 214 retained).
Molecular consequence: synonymous variant.
Genome position (GRCh38, 1-based): chr1:47,416,957, G>A. VCF-style: chr1-47416957-G-A. GRCh37 (hg19) VCF-style: chr1-47882629-G-A.
Identifiers: ClinVar variation 4790745 (VCV004790745.1).